The following is an entry in ClinVar:

ClinVar aggregate classification (germline): Uncertain significance. Review status: criteria provided, multiple submitters, no conflicts (2 of 4 stars). 2 submissions from 2 submitters: Uncertain significance (2). Last evaluated 2024-04-29.

Submissions (2):

Women's Health and Genetics/Laboratory Corporation of America, LabCorp
Classification: Uncertain significance. Last evaluated: 2024-04-29. Review status: criteria provided, single submitter. Criteria: LabCorp Variant Classification Summary - May 2015. Collection method: clinical testing. Allele origin: germline.

Labcorp Genetics (formerly Invitae), Labcorp
Classification: Uncertain significance. Last evaluated: 2022-10-17. Review status: criteria provided, single submitter. Criteria: Invitae Variant Classification Sherloc (09022015). Collection method: clinical testing. Allele origin: germline.
Comment: In summary, the available evidence is currently insufficient to determine the role of this variant in disease. Therefore, it has been classified as a Variant of Uncertain Significance. Advanced modeling of protein sequence and biophysical properties (such as structural, functional, and spatial information, amino acid conservation, physicochemical variation, residue mobility, and thermodynamic stability) has been performed at Invitae for this missense variant, however the output from this modeling did not meet the statistical confidence thresholds required to predict the impact of this variant on OCA2 protein function. This variant has not been reported in the literature in individuals affected with OCA2-related conditions. This variant is not present in population databases (gnomAD no frequency). This sequence change replaces methionine, which is neutral and non-polar, with threonine, which is neutral and polar, at codon 425 of the OCA2 protein (p.Met425Thr).

NM_000275.3(OCA2):c.1274T>C (p.Met425Thr)

Gene: OCA2 (OCA2 melanosomal transmembrane protein; minus strand). Cytogenetic location: 15q13.1.
Variant type: single nucleotide variant.
Coding change: c.1274T>C on transcript NM_000275.3 (MANE Select); coding-DNA position 1274, T replaced by C.
Protein change: p.Met425Thr; replaces methionine 425 with threonine.
Molecular consequence: missense variant.
Genome position (GRCh38, 1-based): chr15:27,985,154, A>G on the plus strand (T>C on the coding strand, the complement: OCA2 is on the minus strand). VCF-style: chr15-27985154-A-G. GRCh37 (hg19) VCF-style: chr15-28230300-A-G.
Other names: c.1202T>C, p.Met401Thr (NM_001300984.2); short protein forms M425T, M401T.
Identifiers: ClinVar variation 2041087 (VCV002041087.4), dbSNP rs2041309302, ClinGen allele CA391360675.